The following is an entry in ClinVar:

ClinVar aggregate classification (germline): Likely pathogenic (0 of 4 stars; one submission).

Conditions:
Imerslund-Grasbeck syndrome. Also called: PERNICIOUS ANEMIA, JUVENILE, DUE TO SELECTIVE INTESTINAL MALABSORPTION OF VITAMIN B12, WITH PROTEINURIA; Megaloblastic anemia due to inborn errors of metabolism; Imerslund-Gräsbeck syndrome; ENTEROCYTE COBALAMIN MALABSORPTION; ENTEROCYTE INTRINSIC FACTOR RECEPTOR, DEFECT OF. Identifiers: Orphanet 35858, MedGen C4551825, MONDO:0009853.

Allele frequency attached by ClinVar (database versions not stated): TOPMed 0.00001.
gnomAD v4.1: 12 of 1,549,248 alleles (0.00077%); highest among the groups gnomAD compares: Non-Finnish European, 0.001%; no homozygotes.

Submission:

Juha Muilu Group; Institute for Molecular Medicine Finland (FIMM)
Classification: Likely pathogenic for Megaloblastic anemia due to inborn errors of metabolism. Review status: no assertion criteria provided. Collection method: not provided. Allele origin: unknown.
Comment: FinDis database variant: This variant was not found or characterized by our laboratory, data were collected from public sources: see reference
ClinVar note: Converted during submission from probable-pathogenic to Likely pathogenic.

NM_030943.4(AMN):c.761G>A (p.Gly254Glu)

Gene: AMN (amnion associated transmembrane protein; plus strand). Cytogenetic location: 14q32.32.
Variant type: single nucleotide variant.
Coding change: c.761G>A on transcript NM_030943.4 (MANE Select); coding-DNA position 761, G replaced by A.
Protein change: p.Gly254Glu; replaces glycine 254 with glutamic acid.
Molecular consequence: missense variant.
Genome position (GRCh38, 1-based): chr14:102,929,655, G>A. VCF-style: chr14-102929655-G-A. GRCh37 (hg19) VCF-style: chr14-103395992-G-A.
Other names: short protein forms G254E.
Identifiers: ClinVar variation 56760 (VCV000056760.2), dbSNP rs386834178, ClinGen allele CA144426.